The following is an entry in ClinVar:

ClinVar aggregate classification (germline): Uncertain significance (1 of 4 stars; one submission).

Conditions:
Left ventricular noncompaction 8 (LVNC8). Identifiers: Orphanet 154, Orphanet 54260, MedGen C3809288, MONDO:0014152, OMIM 615373.

gnomAD v4.1: 2 of 1,613,712 alleles (0.00012%); highest among the groups gnomAD compares: African/African-American, 0.0027%; no homozygotes.

Submission:

Labcorp Genetics (formerly Invitae), Labcorp
Classification: Uncertain significance for Left ventricular noncompaction 8. Last evaluated: 2025-06-14. Review status: criteria provided, single submitter. Criteria: Invitae Variant Classification Sherloc (09022015). Collection method: clinical testing. Allele origin: germline.
Comment: This sequence change replaces proline, which is neutral and non-polar, with alanine, which is neutral and non-polar, at codon 706 of the PRDM16 protein (p.Pro706Ala). This variant is present in population databases (rs369820345, gnomAD 0.01%). This variant has not been reported in the literature in individuals affected with PRDM16-related conditions. An algorithm developed to predict the effect of missense changes on protein structure and function (PolyPhen-2) suggests that this variant is likely to be disruptive. In summary, the available evidence is currently insufficient to determine the role of this variant in disease. Therefore, it has been classified as a Variant of Uncertain Significance.

NM_022114.4(PRDM16):c.2116C>G (p.Pro706Ala)

Gene: PRDM16 (PR/SET domain 16; plus strand). Cytogenetic location: 1p36.32.
Variant type: single nucleotide variant.
Coding change: c.2116C>G on transcript NM_022114.4 (MANE Select); coding-DNA position 2116, C replaced by G.
Protein change: p.Pro706Ala; replaces proline 706 with alanine.
Molecular consequence: missense variant.
Genome position (GRCh38, 1-based): chr1:3,412,313, C>G. VCF-style: chr1-3412313-C-G. GRCh37 (hg19) VCF-style: chr1-3328877-C-G.
Other names: c.2116C>G, p.Pro706Ala (NM_199454.3); short protein forms P706A.
Identifiers: ClinVar variation 4754717 (VCV004754717.1).